The following is an entry in ClinVar:

NM_001429.4(EP300):c.549A>G (p.Gly183=)

Gene: EP300 (EP300 lysine acetyltransferase; plus strand). Cytogenetic location: 22q13.2.
Variant type: single nucleotide variant.
Coding change: c.549A>G on transcript NM_001429.4 (MANE Select); coding-DNA position 549, A replaced by G.
Protein change: p.Gly183=; no amino-acid change (glycine 183 retained).
Molecular consequence: synonymous variant.
Genome position (GRCh38, 1-based): chr22:41,117,641, A>G. VCF-style: chr22-41117641-A-G. GRCh37 (hg19) VCF-style: chr22-41513645-A-G.
Other names: c.549A>G, p.Gly183= (NM_001362843.2).
Identifiers: ClinVar variation 4977270 (VCV004977270.1).

ClinVar aggregate classification (germline): Likely benign (1 of 4 stars; one submission).

Conditions:
EP300-related disorder. Also called: EP300-related disorders; EP300-related condition.

gnomAD v4.1: 1 of 1,614,232 alleles (0.000062%); highest among the groups gnomAD compares: East Asian, 0.0022%; no homozygotes.

Submission:

PreventionGenetics, part of Exact Sciences
Classification: Likely benign for EP300-related condition. Last evaluated: 2026-08-10. Review status: criteria provided, single submitter. Criteria: ACMG Guidelines, 2015. Collection method: clinical testing. Allele origin: germline.
Comment: This variant is classified as likely benign based on ACMG/AMP sequence variant interpretation guidelines (Richards et al. 2015 PMID: 25741868, with internal and published modifications).